The following is an entry in ClinVar:

ClinVar aggregate classification (germline): Uncertain significance. Review status: criteria provided, multiple submitters, no conflicts (2 of 4 stars). 2 submissions from 2 submitters: Uncertain significance (2). Last evaluated 2025-08-09.

Conditions:
Cardiovascular phenotype. Identifiers: MedGen CN230736.
Dilated cardiomyopathy 1KK (CMD1KK). Identifiers: Orphanet 154, Orphanet 75249, MedGen C3714995, MONDO:0014100, OMIM 615248.

Allele frequency attached by ClinVar (database versions not stated): gnomAD exomes below 0.00001; TOPMed 0.00001; gnomAD 0.00002.
gnomAD v4.1: 5 of 1,614,076 alleles (0.00031%); highest among the groups gnomAD compares: African/African-American, 0.0053%; no homozygotes.

Submissions (2):

Ambry Genetics
Classification: Uncertain significance for Cardiovascular phenotype. Last evaluated: 2025-08-09. Review status: criteria provided, single submitter. Criteria: Ambry Variant Classification Scheme 2023. Collection method: clinical testing. Allele origin: germline.
Comment: The p.P214L variant (also known as c.641C>T), located in coding exon 1 of the MYPN gene, results from a C to T substitution at nucleotide position 641. The proline at codon 214 is replaced by leucine, an amino acid with similar properties. This amino acid position is not well conserved in available vertebrate species. In addition, this alteration is predicted to be tolerated by in silico analysis. Since supporting evidence is limited at this time, the clinical significance of this alteration remains unclear.

Labcorp Genetics (formerly Invitae), Labcorp
Classification: Uncertain significance for Dilated cardiomyopathy 1KK. Last evaluated: 2021-09-26. Review status: criteria provided, single submitter. Criteria: Invitae Variant Classification Sherloc (09022015). Collection method: clinical testing. Allele origin: germline.
Comment: This sequence change replaces proline with leucine at codon 214 of the MYPN protein (p.Pro214Leu). The proline residue is moderately conserved and there is a moderate physicochemical difference between proline and leucine. This variant is not present in population databases (ExAC no frequency). This variant has not been reported in the literature in individuals affected with MYPN-related conditions. ClinVar contains an entry for this variant (Variation ID: 518616). Algorithms developed to predict the effect of missense changes on protein structure and function (SIFT, PolyPhen-2, Align-GVGD) all suggest that this variant is likely to be tolerated. In summary, the available evidence is currently insufficient to determine the role of this variant in disease. Therefore, it has been classified as a Variant of Uncertain Significance.

NM_032578.4(MYPN):c.641C>T (p.Pro214Leu)

Gene: MYPN (myopalladin; plus strand). Cytogenetic location: 10q21.3.
Variant type: single nucleotide variant.
Coding change: c.641C>T on transcript NM_032578.4 (MANE Select); coding-DNA position 641, C replaced by T.
Protein change: p.Pro214Leu; replaces proline 214 with leucine.
Molecular consequence: missense variant. On other transcripts: 5 prime UTR variant (1), non-coding transcript variant (1).
Genome position (GRCh38, 1-based): chr10:68,122,079, C>T. VCF-style: chr10-68122079-C-T. GRCh37 (hg19) VCF-style: chr10-69881836-C-T.
Other names: c.641C>T, p.Pro214Leu (NM_001256267.2); c.-482C>T (NM_001256268.2); short protein forms P214L.
Identifiers: ClinVar variation 518616 (VCV000518616.11), dbSNP rs1406498336, ClinGen allele CA377104806.
Genomic context (GRCh38, chr10:68,122,079, plus strand): 5'-AAAACAGCTCCAGTTTCTCAGATCTGTCAGAAAGACGAGAAAGATCTTCTGTTCCCATCC[C>T]TATCCCTGCGGATACCAGGGATAATGAAGTGAATCACGCCCTGGAACAGCAGGAAGCCAA-3'
Protein context (NP_115967.2, residues 204-224): ERRERSSVPI[Pro214Leu]IPADTRDNEV